The following is an entry in ClinVar:

NM_020442.6(VARS2):c.1969C>T (p.Arg657Trp)

Genes: VARS2 (valyl-tRNA synthetase 2, mitochondrial; plus strand), LOC126859646 (MED14-independent group 3 enhancer GRCh37_chr6:30889690-30890889; plus strand). Cytogenetic location: 6p21.33.
Variant type: single nucleotide variant.
Coding change: c.1969C>T on transcript NM_020442.6 (MANE Select); coding-DNA position 1969, C replaced by T.
Protein change: p.Arg657Trp; replaces arginine 657 with tryptophan.
Molecular consequence: missense variant.
Genome position (GRCh38, 1-based): chr6:30,922,486, C>T. VCF-style: chr6-30922486-C-T. GRCh37 (hg19) VCF-style: chr6-30890263-C-T.
Other names: c.1549C>T, p.Arg517Trp (NM_001167733.3); c.2059C>T, p.Arg687Trp (NM_001167734.2); c.2059C>T (NM_001167734.1); short protein forms R657W, R517W, R687W.
Identifiers: ClinVar variation 1392964 (VCV001392964.7), dbSNP rs538662804, ClinGen allele CA3706115.
Genomic context (GRCh38, chr6:30,922,486, plus strand): 5'-CTGTTGACCCCTCCCTGCCCCCAGGTGCTTCTTCATCCCATGGTTCGGGACAGGCAGGGC[C>T]GGAAGATGAGCAAGTCCCTGGGGAATGTGCTGGACCCAAGAGACATCATCAGTGGGGTGG-3'
Protein context (NP_065175.4, residues 647-667): LHPMVRDRQG[Arg657Trp]KMSKSLGNVL

ClinVar aggregate classification (germline): Uncertain significance. Review status: criteria provided, multiple submitters, no conflicts (2 of 4 stars). 2 submissions from 2 submitters: Uncertain significance (2). Last evaluated 2025-08-04.

Conditions:
Inborn genetic diseases. Identifiers: MedGen C0950123, MeSH D030342.

Allele frequency attached by ClinVar (database versions not stated): gnomAD 0.00002 and 0.00003; TOPMed 0.00002; 1000 Genomes Project 30x 0.00016; 1000 Genomes Project 0.00020.

Submissions (2):

Ambry Genetics
Classification: Uncertain significance for Inborn genetic diseases. Last evaluated: 2025-08-04. Review status: criteria provided, single submitter. Criteria: Ambry Variant Classification Scheme 2023. Collection method: clinical testing. Allele origin: germline.

Labcorp Genetics (formerly Invitae), Labcorp
Classification: Uncertain significance. Last evaluated: 2022-08-22. Review status: criteria provided, single submitter. Criteria: Invitae Variant Classification Sherloc (09022015). Collection method: clinical testing. Allele origin: germline.
Comment: Algorithms developed to predict the effect of missense changes on protein structure and function are either unavailable or do not agree on the potential impact of this missense change (SIFT: "Deleterious"; PolyPhen-2: "Probably Damaging"; Align-GVGD: "Class C0"). ClinVar contains an entry for this variant (Variation ID: 1392964). This variant has not been reported in the literature in individuals affected with VARS2-related conditions. This variant is present in population databases (rs538662804, gnomAD 0.006%). This sequence change replaces arginine, which is basic and polar, with tryptophan, which is neutral and slightly polar, at codon 687 of the VARS2 protein (p.Arg687Trp). In summary, the available evidence is currently insufficient to determine the role of this variant in disease. Therefore, it has been classified as a Variant of Uncertain Significance.